The following is an entry in ClinVar:

NM_194454.3(KRIT1):c.1009A>G (p.Thr337Ala)

Gene: KRIT1 (KRIT1 ankyrin repeat containing; minus strand). Cytogenetic location: 7q21.2.
Variant type: single nucleotide variant.
Coding change: c.1009A>G on transcript NM_194454.3 (MANE Select); coding-DNA position 1009, A replaced by G.
Protein change: p.Thr337Ala; replaces threonine 337 with alanine.
Molecular consequence: missense variant.
Genome position (GRCh38, 1-based): chr7:92,226,663, T>C on the plus strand (A>G on the coding strand, the complement: KRIT1 is on the minus strand). VCF-style: chr7-92226663-T-C. GRCh37 (hg19) VCF-style: chr7-91855977-T-C.
Other names: p.Thr337Ala; c.865A>G, p.Thr289Ala (NM_001013406.2, NM_001350669.1, NM_001350670.1); c.295A>G, p.Thr99Ala (NM_001350671.1); c.1009A>G, p.Thr337Ala (NM_001350672.1, NM_001350673.1, NM_001350674.1 and 26 more transcripts); short protein forms T337A, T289A, T99A.
Identifiers: ClinVar variation 4541302 (VCV004541302.1).

ClinVar aggregate classification (germline): Uncertain significance (1 of 4 stars; one submission).

gnomAD v4.1: 14 of 1,613,318 alleles (0.00087%); highest among the groups gnomAD compares: Admixed American, 0.013%; no homozygotes.

Submission:

Mayo Clinic Laboratories, Mayo Clinic
Classification: Uncertain significance. Last evaluated: 2025-05-27. Review status: criteria provided, single submitter. Criteria: ACMG Guidelines, 2015. Collection method: clinical testing. Allele origin: germline. Observed: 1 variant allele.
Comment: BP4